The following is an entry in ClinVar:

ClinVar aggregate classification (germline): Conflicting classifications of pathogenicity. Review status: criteria provided, conflicting classifications (1 of 4 stars). 21 submissions from 17 submitters: Uncertain significance (1); Benign (11); Likely benign (6). 3 of the submissions do not count toward it. Last evaluated 2026-06-01.

Conditions:
Dilated cardiomyopathy 1G (CMD1G). Identifiers: Orphanet 154, MedGen C1858763, MONDO:0011400, OMIM 604145.
Autosomal recessive limb-girdle muscular dystrophy type 2J (LGMDR10). Also called: MUSCULAR DYSTROPHY, LIMB-GIRDLE, AUTOSOMAL RECESSIVE 10; Limb-girdle muscular dystrophy, type 2J. Identifiers: Orphanet 140922, MedGen C1837342, MONDO:0012127, OMIM 608807.
Cardiomyopathy (CMYO). Also called: Cardiomyopathies. Identifiers: Orphanet 167848, MedGen C0878544, MONDO:0004994, HP:0001638. Inheritance: Various modes of inheritance.
Early-onset myopathy with fatal cardiomyopathy (CMYO5). Also called: CONGENITAL MYOPATHY 5 WITH CARDIOMYOPATHY; Salih Myopathy. Identifiers: Orphanet 289377, MedGen C2673677, MONDO:0012714, OMIM 611705. Disease mechanism: loss of function.
Myopathy, myofibrillar, 9, with early respiratory failure (MFM9). Also called: Myopathy, distal, with early respiratory failure, autosomal dominant; Hereditary myopathy with early respiratory failure; MYOPATHY, PROXIMAL, WITH EARLY RESPIRATORY MUSCLE INVOLVEMENT; EDSTROM MYOPATHY. Identifiers: Orphanet 178464, Orphanet 34521, MedGen C1863599, MONDO:0011362, OMIM 603689.
Tibial muscular dystrophy (TMD). Also called: Udd Distal Myopathy – Tibial Muscular Dystrophy; Tibial muscular dystrophy, tardive; UDD MYOPATHY. Identifiers: Orphanet 609, MedGen C1838244, MONDO:0010870, OMIM 600334.

Allele frequency attached by ClinVar (database versions not stated): gnomAD exomes 0.00024 and 0.00062; gnomAD 0.00317 and 0.00291; ESP Exome Variant Server 0.00264; 1000 Genomes Project 0.00280; 1000 Genomes Project 30x 0.00281; TOPMed 0.00359; ExAC 0.00077.
gnomAD v4.1: 807 of 1,612,818 alleles (0.05%); highest among the groups gnomAD compares: African/African-American, 0.94%; 5 homozygotes.

Submissions (21):

CeGaT Center for Human Genetics Tuebingen
Classification: Likely benign. Last evaluated: 2026-06-01. Review status: criteria provided, single submitter. Criteria: CeGaT Center For Human Genetics Tuebingen Variant Classification Criteria Version 2. Collection method: clinical testing. Allele origin: germline. Affected: yes. Observed: 2 variant alleles.
Comment: TTN: BP4, BP7

Labcorp Genetics (formerly Invitae), Labcorp
Classification: Benign for Dilated cardiomyopathy 1G; Autosomal recessive limb-girdle muscular dystrophy type 2J. Last evaluated: 2026-02-04. Review status: criteria provided, single submitter. Criteria: Invitae Variant Classification Sherloc (09022015). Collection method: clinical testing. Allele origin: germline.

Mayo Clinic Laboratories, Mayo Clinic
Classification: Likely benign. Last evaluated: 2025-10-04. Review status: criteria provided, single submitter. Criteria: ACMG Guidelines, 2015. Collection method: clinical testing. Allele origin: germline. Observed: 9 variant alleles.
Comment: BS1, BP4, BP7

Molecular Diagnostic Laboratory for Inherited Cardiovascular Disease, Montreal Heart Institute
Classification: Benign. Last evaluated: 2025-04-09. Review status: criteria provided, single submitter. Criteria: ACMG Guidelines, 2015. Collection method: clinical testing. Allele origin: germline. Affected: no.

Blueprint Genetics
Classification: Likely benign. Last evaluated: 2024-11-25. Review status: criteria provided, single submitter. Criteria: ACMG Guidelines, 2015. Collection method: clinical testing. Allele origin: germline.

Athena Diagnostics
Classification: Benign. Last evaluated: 2024-04-12. Review status: criteria provided, single submitter. Criteria: Athena Diagnostics Criteria. Collection method: clinical testing. Allele origin: unknown.

ARUP Laboratories, Molecular Genetics and Genomics, ARUP Laboratories
Classification: Benign. Last evaluated: 2023-10-16. Review status: criteria provided, single submitter. Criteria: ARUP Molecular Germline Variant Investigation Process 2024. Collection method: clinical testing. Allele origin: germline.

Women's Health and Genetics/Laboratory Corporation of America, LabCorp
Classification: Benign. Last evaluated: 2021-07-18. Review status: criteria provided, single submitter. Criteria: LabCorp Variant Classification Summary - May 2015. Collection method: clinical testing. Allele origin: germline.

Illumina Laboratory Services, Illumina
Classification: Likely benign for Dilated cardiomyopathy 1G. Last evaluated: 2018-01-12. Review status: criteria provided, single submitter. Criteria: ICSL Variant Classification Criteria 13 December 2019. Collection method: clinical testing. Allele origin: germline.
Comment: This variant was observed in the ICSL laboratory as part of a predisposition screen in an ostensibly healthy population. It had not been previously curated by ICSL or reported in the Human Gene Mutation Database (HGMD: prior to June 1st, 2018), and was therefore a candidate for classification through an automated scoring system. Utilizing variant allele frequency, disease prevalence and penetrance estimates, and inheritance mode, an automated score was calculated to assess if this variant is too frequent to cause the disease. Based on the score and internal cut-off values, a variant classified as likely benign is not then subjected to further curation. The score for this variant resulted in a classification of likely benign for this disease.

Illumina Laboratory Services, Illumina
Classification: Benign for Tibial muscular dystrophy. Last evaluated: 2018-01-12. Review status: criteria provided, single submitter. Criteria: ICSL Variant Classification Criteria 13 December 2019. Collection method: clinical testing. Allele origin: germline.
Comment: This variant was observed in the ICSL laboratory as part of a predisposition screen in an ostensibly healthy population. It had not been previously curated by ICSL or reported in the Human Gene Mutation Database (HGMD: prior to June 1st, 2018), and was therefore a candidate for classification through an automated scoring system. Utilizing variant allele frequency, disease prevalence and penetrance estimates, and inheritance mode, an automated score was calculated to assess if this variant is too frequent to cause the disease. Based on the score and internal cut-off values, a variant classified as benign is not then subjected to further curation. The score for this variant resulted in a classification of benign for this disease.

Illumina Laboratory Services, Illumina
Classification: Likely benign for Early-onset myopathy with fatal cardiomyopathy. Last evaluated: 2018-01-12. Review status: criteria provided, single submitter. Criteria: ICSL Variant Classification Criteria 13 December 2019. Collection method: clinical testing. Allele origin: germline.
Comment: the same text as in the submission from Illumina Laboratory Services, Illumina above.

Illumina Laboratory Services, Illumina
Classification: Benign for Myopathy, myofibrillar, 9, with early respiratory failure. Last evaluated: 2018-01-12. Review status: criteria provided, single submitter. Criteria: ICSL Variant Classification Criteria 13 December 2019. Collection method: clinical testing. Allele origin: germline.
Comment: the same text as in the submission from Illumina Laboratory Services, Illumina above.

Illumina Laboratory Services, Illumina
Classification: Uncertain significance for Autosomal recessive limb-girdle muscular dystrophy type 2J. Last evaluated: 2018-01-12. Review status: criteria provided, single submitter. Criteria: ICSL Variant Classification Criteria 13 December 2019. Collection method: clinical testing. Allele origin: germline.

CHEO Genetics Diagnostic Laboratory, Children's Hospital of Eastern Ontario
Classification: Likely benign for Cardiomyopathy. Last evaluated: 2016-01-15. Review status: criteria provided, single submitter. Criteria: ACMG Guidelines, 2015. Collection method: clinical testing. Allele origin: germline. Study: Canadian Open Genetics Repository.

Eurofins Ntd Llc (ga)
Classification: Benign. Last evaluated: 2015-10-20. Review status: criteria provided, single submitter. Criteria: EGL Classification Definitions 2015. Collection method: clinical testing. Allele origin: germline. Observed: 1 variant allele, 1 heterozygote.

GeneDx
Classification: Benign. Last evaluated: 2014-05-07. Review status: criteria provided, single submitter. Criteria: GeneDx Variant Classification (06012015). Collection method: clinical testing. Allele origin: germline. Affected: yes.
Comment: This variant is considered likely benign or benign based on one or more of the following criteria: it is a conservative change, it occurs at a poorly conserved position in the protein, it is predicted to be benign by multiple in silico algorithms, and/or has population frequency not consistent with disease.

Laboratory for Molecular Medicine, Mass General Brigham Personalized Medicine
Classification: Benign. Last evaluated: 2012-04-03. Review status: criteria provided, single submitter. Criteria: LMM Criteria. Collection method: clinical testing. Allele origin: germline. Observed: 11 variant alleles.
Comment: Ala7578Ala in exon 88 of TTN: This variant is not expected to have clinical sign ificance because it does not alter an amino acid residue, is not located within the splice consensus sequence, and it has been identified in 0.75% (24/3170) of African American chromosomes from a broad population by the NHLBI Exome Sequenci ng Project (dbSNP rs140003804)

PreventionGenetics, part of Exact Sciences
Classification: Benign. Review status: criteria provided, single submitter. Criteria: ACMG Guidelines, 2015. Collection method: clinical testing. Allele origin: germline.

Clinical Genetics DNA and cytogenetics Diagnostics Lab, Erasmus MC, Erasmus Medical Center
Classification: Likely benign. Review status: no assertion criteria provided. Collection method: clinical testing. Allele origin: germline. Affected: yes. Study: VKGL Data-share Consensus. Not counted in ClinVar's aggregate classification.

Clinical Genetics, Academic Medical Center
Classification: Benign. Review status: no assertion criteria provided. Collection method: clinical testing. Allele origin: germline. Affected: yes. Study: VKGL Data-share Consensus. Not counted in ClinVar's aggregate classification.

Laboratory of Diagnostic Genome Analysis, Leiden University Medical Center (LUMC)
Classification: Likely benign. Review status: no assertion criteria provided. Collection method: clinical testing. Allele origin: germline. Affected: yes. Study: VKGL Data-share Consensus. Not counted in ClinVar's aggregate classification.

NM_001267550.2(TTN):c.26466C>G (p.Ala8822=)

Gene: TTN (titin; minus strand). Cytogenetic location: 2q31.2.
Variant type: single nucleotide variant.
Coding change: c.26466C>G on transcript NM_001267550.2 (MANE Select); coding-DNA position 26466, C replaced by G.
Protein change: p.Ala8822=; no amino-acid change (alanine 8822 retained).
Molecular consequence: synonymous variant. On other transcripts: intron variant (3).
Genome position (GRCh38, 1-based): chr2:178,714,308, G>C on the plus strand (C>G on the coding strand, the complement: TTN is on the minus strand). VCF-style: chr2-178714308-G-C. GRCh37 (hg19) VCF-style: chr2-179579035-G-C.
Other names: p.A8505A:GCC>GCG; p.Ala7578=; c.25515C>G, p.Ala8505= (NM_001256850.1); c.22734C>G, p.Ala7578= (NM_133378.4); c.13282+23774C>G (NM_003319.4); c.13858+23774C>G (NM_133437.4); c.13657+23774C>G (NM_133432.3).
Identifiers: ClinVar variation 46780 (VCV000046780.63), dbSNP rs140003804, ClinGen allele CA282994.